The following is an entry in ClinVar:

ClinVar aggregate classification (germline): Conflicting classifications of pathogenicity. Review status: criteria provided, conflicting classifications (1 of 4 stars). 13 submissions from 11 submitters: Pathogenic (5); Likely pathogenic (4); Uncertain significance (1). 3 of the submissions do not count toward it. Last evaluated 2026-01-29.

Conditions:
Polycystic kidney disease 9, susceptibility to. Identifiers: MedGen C6012712, MONDO:0976267, OMIM 621164.
Cranioectodermal dysplasia 5. Identifiers: MedGen C6011237, MONDO:0976269, OMIM 621180.
IFT140-related disorder. Also called: IFT140-related condition.
Saldino-Mainzer syndrome (SRTD9). Also called: short-rib thoracic dysplasia 9 with or without polydactyly; CONORENAL SYNDROME; Renal dysplasia, retinal pigmentary dystrophy, cerebellar ataxia and skeletal dysplasia; SHORT-RIB THORACIC DYSPLASIA 9 WITHOUT POLYDACTYLY. Identifiers: Orphanet 140969, MedGen C1849437, MONDO:0009964, OMIM 266920.
Retinitis pigmentosa 80 (RP80). Identifiers: MedGen C4540439, MONDO:0054708, OMIM 617781.
Retinitis pigmentosa (RP). Identifiers: Orphanet 791, MedGen C0035334, MeSH D012174, MONDO:0019200, OMIM 268000. Inheritance: Autosomal dominant, autosomal recessive and X linked inheritance.
Polycystic kidney disease. Also called: Kidney, Polycystic; Polycystic kidney dysplasia. Identifiers: MedGen C0022680, MeSH D007690, MONDO:0020642, HP:0000113.
Retinal dystrophy. Also called: Inherited retinal dystrophy. Identifiers: Orphanet 71862, MedGen C0854723, MeSH D058499, MONDO:0019118, HP:0000556.
IFT140-related disorders.

Submissions (13):

Clinical Genetics Laboratory, Skane University Hospital Lund
Classification: Pathogenic for Polycystic kidney disease. Last evaluated: 2026-01-29. Review status: criteria provided, single submitter. Criteria: ACMG Guidelines, 2015. Collection method: clinical testing. Allele origin: germline. Affected: yes.
Comment: ACMG criteria applied: PVS1, PP1_moderate, PP4_supporting.

PreventionGenetics, part of Exact Sciences
Classification: Pathogenic for IFT140-related condition. Last evaluated: 2025-10-23. Review status: criteria provided, single submitter. Criteria: ACMG Guidelines, 2015. Collection method: clinical testing. Allele origin: germline.
Comment: The IFT140 c.2767_2768+2delTAGT variant is predicted to result in a deletion affecting a canonical splice site. This variant has been reported with other pathogenic variant(s) in patients with autosomal recessive IFT140-related disorders (see for example, Sharova et al. 2023. PubMed ID: 37628605). In addition, this variant in the heterozygous state has also been reported in families with the autosomal dominant polycystic kidney-spectrum phenotype (Senum et al. 2022. PubMed ID: 34890546). This variant is reported in 0.024% of alleles in individuals of Latino descent in gnomAD. Since loss-of-function of IFT140 is the disease causing mechanism for both autosomal dominant and recessive IFT140-related disorders, this variant is interpreted as pathogenic for both autosomal dominant and recessive IFT140-related disorders.

Labcorp Genetics (formerly Invitae), Labcorp
Classification: Likely pathogenic for Saldino-Mainzer syndrome. Last evaluated: 2025-04-17. Review status: criteria provided, single submitter. Criteria: Invitae Variant Classification Sherloc (09022015). Collection method: clinical testing. Allele origin: germline.
Comment: This variant results in the deletion of part of exon 21 (c.2767_2768+2del) of the IFT140 gene. It is expected to disrupt RNA splicing. Variants that disrupt the donor or acceptor splice site typically lead to a loss of protein function (PMID: 16199547), and loss-of-function variants in IFT140 are known to be pathogenic (PMID: 22503633, 23418020, 24009529, 26216056). This variant is present in population databases (rs769075694, gnomAD 0.03%). This variant has been observed in individual(s) with IFT140-related conditions (PMID: 31213501, 34890546). ClinVar contains an entry for this variant (Variation ID: 863072). In summary, the currently available evidence indicates that the variant is pathogenic, but additional data are needed to prove that conclusively. Therefore, this variant has been classified as Likely Pathogenic.

3billion
Classification: Pathogenic for Polycystic kidney disease 9, susceptibility to. Last evaluated: 2025-04-02. Review status: criteria provided, single submitter. Criteria: ACMG Guidelines, 2015. Collection method: clinical testing. Allele origin: germline. Affected: yes.
Comment: The variant is observed at an extremely low frequency in the gnomAD v4.1.0 dataset (total allele frequency: 0.003%). Predicted Consequence/Location: Canonical splice site: predicted to alter splicing and result in a loss or disruption of normal protein function. Multiple pathogenic loss-of-function variants are reported downstream of the variant. The variant has been reported at least twice as pathogenic without evidence for the classification (ClinVar ID: VCV000863072 / PMID: 34890546). Therefore, this variant is classified as Pathogenic according to the recommendation of ACMG/AMP guideline.

SingHealth Duke-NUS Institute of Precision Medicine
Classification: Likely pathogenic for Retinitis pigmentosa 80. Last evaluated: 2025-02-05. Review status: criteria provided, single submitter. Criteria: PRISM ACMG Classification Criteria. Collection method: clinical testing. Allele origin: germline. Affected: yes.
Comment: Variant is predicted to cause nonsense-mediated decay in a gene where LOF is a known cause of pathogenicity (PVS1). Homozygous allele count in gnomAD exomes and genomes are less than 0 (PM2).

Fulgent Genetics
Classification: Pathogenic for Saldino-Mainzer syndrome; Retinitis pigmentosa 80. Last evaluated: 2024-04-29. Review status: criteria provided, single submitter. Criteria: ACMG Guidelines, 2015. Collection method: clinical testing. Allele origin: germline.

Dept Of Ophthalmology, Nagoya University
Classification: Uncertain significance for Retinal dystrophy. Last evaluated: 2023-10-01. Review status: criteria provided, single submitter. Criteria: Submitter's publication. Collection method: research. Allele origin: germline. Affected: yes.

Women's Health and Genetics/Laboratory Corporation of America, LabCorp
Classification: Likely pathogenic for Retinitis pigmentosa. Last evaluated: 2022-07-08. Review status: criteria provided, single submitter. Criteria: LabCorp Variant Classification Summary - May 2015. Collection method: clinical testing. Allele origin: germline.
Comment: Variant summary: IFT140 c.2767_2768+2delTAGT is located in a canonical splice-site and is predicted to affect mRNA splicing resulting in a significantly altered protein due to either exon skipping, shortening, or inclusion of intronic material. Several computational tools predict a significant impact on normal splicing: Four predict the variant abolishes a canonical 5' splicing donor site. Three predict the variant creates a cryptic 5' donor site. However, these predictions have yet to be confirmed by functional studies. The variant allele was found at a frequency of 5.4e-05 in 148386 control chromosomes (gnomAD). c.2767_2768+2delTAGT has been reported in the literature in at-least one individual genetically diagnosed with Retinitis Pigmentosa along with another variant : USH2A c.2802T>G (Koyanagi_2019). Multiple individuals heterozygous for this variant have also been reported with autosomal dominant polycystic kidney disease (example: Senum_2022) These reports do not provide unequivocal conclusions about association of the variant with Retinitis Pigmentosa. To our knowledge, no experimental evidence demonstrating an impact on protein function has been reported. Two clinical diagnostic laboratories have submitted clinical-significance assessments for this variant to ClinVar after 2014 and all classified the variant as likely pathogenic. Based on the evidence outlined above, the variant was classified as likely pathogenic.

Blueprint Genetics
Classification: Likely pathogenic for IFT140-related disorders. Last evaluated: 2019-12-31. Review status: criteria provided, single submitter. Criteria: ACMG Guidelines, 2015. Collection method: clinical testing. Allele origin: germline. Affected: yes. Observed: 3 variant alleles.

Juno Genomics, Hangzhou Juno Genomics, Inc
Classification: Pathogenic for Retinitis pigmentosa 80; Saldino-Mainzer syndrome. Review status: criteria provided, single submitter. Criteria: ACMG Guidelines, 2015. Collection method: clinical testing. Allele origin: germline.
Comment: Absent from controls (or at extremely low frequency if recessive) in Genome Aggregation Database.;Null variant in a gene where loss of function (LOF) is a known mechanism of disease.;For recessive disorders, detected in trans with a pathogenic variant.

OMIM
Classification: risk factor for POLYCYSTIC KIDNEY DISEASE 9, SUSCEPTIBILITY TO. Last evaluated: 2025-04-21. Review status: no assertion criteria provided. Collection method: literature only. Allele origin: germline. Not counted in ClinVar's aggregate classification.

OMIM
Classification: Pathogenic for SHORT-RIB THORACIC DYSPLASIA 9 WITHOUT POLYDACTYLY. Last evaluated: 2025-04-21. Review status: no assertion criteria provided. Collection method: literature only. Allele origin: germline. Not counted in ClinVar's aggregate classification.

OMIM
Classification: Pathogenic for CRANIOECTODERMAL DYSPLASIA 5. Last evaluated: 2025-04-21. Review status: no assertion criteria provided. Collection method: literature only. Allele origin: germline. Not counted in ClinVar's aggregate classification.

Literature cited by the submitters: PubMed 16199547 (cited by Labcorp Genetics (formerly Invitae), Labcorp); PubMed 22503633 (cited by Labcorp Genetics (formerly Invitae), Labcorp); PubMed 23418020 (cited by Labcorp Genetics (formerly Invitae), Labcorp); PubMed 24009529 (cited by Labcorp Genetics (formerly Invitae), Labcorp); PubMed 26216056 (cited by Labcorp Genetics (formerly Invitae), Labcorp); PubMed 31213501 (cited by Labcorp Genetics (formerly Invitae), Labcorp and Women's Health and Genetics/Laboratory Corporation of America, LabCorp); PubMed 34890546 (cited by 4 submitters); PubMed 33452237 (cited by Women's Health and Genetics/Laboratory Corporation of America, LabCorp); PubMed 36573973 (cited by OMIM); PubMed 39136524 (cited by OMIM); PubMed 35873489 (cited by OMIM); PubMed 37628605 (cited by OMIM).

NM_014714.4(IFT140):c.2767_2768+2del

Gene: IFT140 (intraflagellar transport 140; minus strand). Cytogenetic location: 16p13.3.
Variant type: Deletion.
Coding change: c.2767_2768+2del on transcript NM_014714.4 (MANE Select); coding-DNA position 2767 through the canonical splice donor site of the intron after coding-DNA position 2768, 4 bases deleted (TAGT; older notation c.2767_2768+2delTAGT).
Molecular consequence: splice donor variant.
Genome position (GRCh38, 1-based): chr16:1,525,885-1,525,888, ACTA deleted on the plus strand (TAGT on the coding strand, the reverse complement: IFT140 is on the minus strand); deleting any 4 consecutive bases within chr16:1,525,885-1,525,891 gives the same sequence; the c. name uses the placement nearest the transcript's 3' end. VCF-style (leftmost placement, unchanged base first): chr16-1525884-CACTA-C. GRCh37 (hg19) VCF-style: chr16-1575885-CACTA-C.
Other names: c.2767_2768+2delTAGT (NM_014714.4, NM_014714.3).
Identifiers: ClinVar variation 863072 (VCV000863072.20), dbSNP rs769075694, ClinGen allele CA7813503.